The following is an entry in ClinVar:

ClinVar aggregate classification (germline): Pathogenic. Review status: criteria provided, multiple submitters, no conflicts (2 of 4 stars). 2 submissions from 2 submitters: Pathogenic (2). Last evaluated 2024-12-26.

Conditions:
Abetalipoproteinaemia (ABL). Also called: MTP DEFICIENCY; Abetalipoproteinemia; Abetalipoproteinemia neuropathy; Apolipoprotein B deficiency; Congenital betalipoprotein deficiency syndrome. Identifiers: Orphanet 14, MedGen C0000744, MONDO:0008692, OMIM 200100, HP:0008181.

Allele frequency attached by ClinVar (database versions not stated): gnomAD exomes below 0.00001; TOPMed below 0.00001.
gnomAD v4.1: 4 of 1,612,696 alleles (0.00025%); highest among the groups gnomAD compares: African/African-American, 0.0027%; no homozygotes.

Submissions (2):

Natera, Inc.
Classification: Pathogenic for Abetalipoproteinemia. Last evaluated: 2024-12-26. Review status: criteria provided, single submitter. Criteria: Natera Variant Classification Schema (03/2026). Collection method: clinical testing. Allele origin: germline.
Comment: The c.2342+1G>A variant in MTTP is a canonical splice donor site variant predicted to affect pre-mRNA splicing, which may result in an abnormal transcript and altered protein product. This variant is expected to result in nonsense mediated decay, truncation, or a dysfunctional protein product. This variant is rare in the general population with a frequency below the threshold expected for the associated phenotype(s). This variant has been observed in one or more individuals affected with the associated recessive disease, as either homozygous or compound heterozygous with a second variant (PMID: 33258201, 23043934). Functional studies show that this variant may disrupt protein function (PMID: 23043934). Given the available evidence, this variant is classified as Pathogenic.

Women's Health and Genetics/Laboratory Corporation of America, LabCorp
Classification: Pathogenic for Abetalipoproteinaemia. Last evaluated: 2023-02-16. Review status: criteria provided, single submitter. Criteria: LabCorp Variant Classification Summary - May 2015. Collection method: clinical testing. Allele origin: germline.
Comment: Variant summary: MTTP c.2342+1G>A is located in a canonical splice-site and is predicted to affect mRNA splicing resulting in a significantly altered protein due to either exon skipping, shortening, or inclusion of intronic material. Several computational tools predict a significant impact on normal splicing: Three predict the variant abolishes the canonical 5' splicing donor site. At least one publication reports experimental evidence that this variant affects mRNA splicing (example: Magnolo_2013). The variant allele was found at a frequency of 4e-06 in 251248 control chromosomes (gnomAD). c.2342+1G>A has been reported in at-least one individual affected with hypobetalipoproteinemia, in homozygous state (example: Magnolo_2013). No clinical diagnostic laboratories have submitted clinical-significance assessments for this variant to ClinVar after 2014. Based on the evidence outlined above, the variant was classified as pathogenic.

Literature cited by the submitters: PubMed 33258201 (cited by Natera, Inc.); PubMed 23043934 (cited by Natera, Inc. and Women's Health and Genetics/Laboratory Corporation of America, LabCorp).

NM_001386140.1(MTTP):c.2342+1G>A

Gene: MTTP (microsomal triglyceride transfer protein; plus strand). Cytogenetic location: 4q23.
Variant type: single nucleotide variant.
Coding change: c.2342+1G>A on transcript NM_001386140.1 (MANE Select); the canonical splice donor site of the intron after coding-DNA position 2342, G replaced by A.
Molecular consequence: splice donor variant.
Genome position (GRCh38, 1-based): chr4:99,619,099, G>A. VCF-style: chr4-99619099-G-A. GRCh37 (hg19) VCF-style: chr4-100540256-G-A.
Other names: p.?; c.2342+1G>A (NM_000253.4); c.2093+1G>A (NM_001300785.2).
Identifiers: ClinVar variation 2445867 (VCV002445867.2), dbSNP rs1458456081, ClinGen allele CA357518589.
Genomic context (GRCh38, chr4:99,619,099, plus strand): 5'-TTCAGGTGCAATGGAGTTTAGCTTGTGGTATCGTGAGTCTAAAACCCGAGTGAAAAATAG[G>A]TAAGTGTTTATGCATTATACATTTATGAATTACATATAAGACTATATACAGAGAACTTCC-3'